The following is an entry in ClinVar:

NM_005045.4(RELN):c.8779C>G (p.Leu2927Val)

Genes: SLC26A5-AS1 (SLC26A5 antisense RNA 1; plus strand), RELN (reelin; minus strand). Cytogenetic location: 7q22.1.
Variant type: single nucleotide variant.
Coding change: c.8779C>G on transcript NM_005045.4 (MANE Select); coding-DNA position 8779, C replaced by G.
Protein change: p.Leu2927Val; replaces leucine 2927 with valine.
Molecular consequence: missense variant.
Genome position (GRCh38, 1-based): chr7:103,498,141, G>C on the plus strand (C>G on the coding strand, the complement: RELN is on the minus strand). VCF-style: chr7-103498141-G-C. GRCh37 (hg19) VCF-style: chr7-103138588-G-C.
Other names: c.8779C>G, p.Leu2927Val (NM_173054.3); short protein forms L2927V.
Identifiers: ClinVar variation 3757191 (VCV003757191.2).

ClinVar aggregate classification (germline): Uncertain significance (1 of 4 stars; one submission).

Conditions:
Familial temporal lobe epilepsy 7. Identifiers: Orphanet 101046, MedGen C4225327, MONDO:0014639, OMIM 616436.
Norman-Roberts syndrome (LIS2). Also called: Lissencephaly 2 (Norman-Roberts type). Identifiers: Orphanet 89844, MedGen C0796089, MONDO:0009760, OMIM 257320.

gnomAD v4.1: 1 of 1,614,100 alleles (0.000062%); highest among the groups gnomAD compares: Non-Finnish European, 0.000085%; no homozygotes.

Submission:

Labcorp Genetics (formerly Invitae), Labcorp
Classification: Uncertain significance for Familial temporal lobe epilepsy 7; Norman-Roberts syndrome. Last evaluated: 2024-07-09. Review status: criteria provided, single submitter. Criteria: Invitae Variant Classification Sherloc (09022015). Collection method: clinical testing. Allele origin: germline.
Comment: This sequence change replaces leucine, which is neutral and non-polar, with valine, which is neutral and non-polar, at codon 2927 of the RELN protein (p.Leu2927Val). This variant is not present in population databases (gnomAD no frequency). This variant has not been reported in the literature in individuals affected with RELN-related conditions. Advanced modeling of protein sequence and biophysical properties (such as structural, functional, and spatial information, amino acid conservation, physicochemical variation, residue mobility, and thermodynamic stability) performed at Invitae indicates that this missense variant is not expected to disrupt RELN protein function with a negative predictive value of 80%. In summary, the available evidence is currently insufficient to determine the role of this variant in disease. Therefore, it has been classified as a Variant of Uncertain Significance.